The following is an entry in ClinVar:

NM_152703.5(SAMD9L):c.1800G>A (p.Met600Ile)

Gene: SAMD9L (sterile alpha motif domain containing 9 like; minus strand). Cytogenetic location: 7q21.2.
Variant type: single nucleotide variant.
Coding change: c.1800G>A on transcript NM_152703.5 (MANE Select); coding-DNA position 1800, G replaced by A.
Protein change: p.Met600Ile; replaces methionine 600 with isoleucine.
Molecular consequence: missense variant.
Genome position (GRCh38, 1-based): chr7:93,134,172, C>T on the plus strand (G>A on the coding strand, the complement: SAMD9L is on the minus strand). VCF-style: chr7-93134172-C-T. GRCh37 (hg19) VCF-style: chr7-92763485-C-T.
Other names: c.1800G>A, p.Met600Ile (NM_001303496.3, NM_001303497.3, NM_001303498.3 and 5 more transcripts); c.1800G>A (NM_152703.2); short protein forms M600I.
Identifiers: ClinVar variation 3696383 (VCV003696383.3).

ClinVar aggregate classification (germline): Conflicting classifications of pathogenicity. Review status: criteria provided, conflicting classifications (1 of 4 stars). 2 submissions from 2 submitters: Uncertain significance (1); Likely benign (1). Last evaluated 2026-04-06.

Conditions:
Inborn genetic diseases. Identifiers: MedGen C0950123, MeSH D030342.

Submissions (2):

Ambry Genetics
Classification: Likely benign for Inborn genetic diseases. Last evaluated: 2026-04-06. Review status: criteria provided, single submitter. Criteria: Ambry Variant Classification Scheme 2023. Collection method: clinical testing. Allele origin: germline.

Labcorp Genetics (formerly Invitae), Labcorp
Classification: Uncertain significance. Last evaluated: 2024-02-20. Review status: criteria provided, single submitter. Criteria: Invitae Variant Classification Sherloc (09022015). Collection method: clinical testing. Allele origin: germline.
Comment: This sequence change replaces methionine, which is neutral and non-polar, with isoleucine, which is neutral and non-polar, at codon 600 of the SAMD9L protein (p.Met600Ile). This variant is not present in population databases (gnomAD no frequency). This variant has not been reported in the literature in individuals affected with SAMD9L-related conditions. Algorithms developed to predict the effect of missense changes on protein structure and function output the following: SIFT: "Not Available"; PolyPhen-2: "Benign"; Align-GVGD: "Not Available". The isoleucine amino acid residue is found in multiple mammalian species, which suggests that this missense change does not adversely affect protein function. In summary, the available evidence is currently insufficient to determine the role of this variant in disease. Therefore, it has been classified as a Variant of Uncertain Significance.